The following is an entry in ClinVar:

NM_000111.3(SLC26A3):c.392C>G (p.Pro131Arg)

Gene: SLC26A3 (solute carrier family 26 member 3; minus strand). Cytogenetic location: 7q22.3.
Variant type: single nucleotide variant.
Coding change: c.392C>G on transcript NM_000111.3 (MANE Select); coding-DNA position 392, C replaced by G.
Protein change: p.Pro131Arg; replaces proline 131 with arginine.
Molecular consequence: missense variant.
Genome position (GRCh38, 1-based): chr7:107,791,226, G>C on the plus strand (C>G on the coding strand, the complement: SLC26A3 is on the minus strand). VCF-style: chr7-107791226-G-C. GRCh37 (hg19) VCF-style: chr7-107431671-G-C.
Other names: short protein forms P131R.
Identifiers: ClinVar variation 55999 (VCV000055999.9), dbSNP rs386833481, ClinGen allele CA144097.

ClinVar aggregate classification (germline): Pathogenic. Review status: criteria provided, single submitter (1 of 4 stars). 2 submissions from 2 submitters: Pathogenic (1). 1 of the submissions does not count toward it. Last evaluated 2024-01-04.

Conditions:
Congenital secretory diarrhea, chloride type (DIAR1). Also called: DIARRHEA 1, SECRETORY CHLORIDE, CONGENITAL; CHLORIDORRHEA, CONGENITAL; CHLORIDE DIARRHEA, CONGENITAL, FINNISH TYPE. Identifiers: Orphanet 53689, MedGen C0267662, MONDO:0008964, OMIM 214700.

gnomAD v4.1: 44 of 1,614,160 alleles (0.0027%); highest among the groups gnomAD compares: Non-Finnish European, 0.0037%; no homozygotes.

Submissions (2):

Labcorp Genetics (formerly Invitae), Labcorp
Classification: Pathogenic. Last evaluated: 2024-01-04. Review status: criteria provided, single submitter. Criteria: Invitae Variant Classification Sherloc (09022015). Collection method: clinical testing. Allele origin: germline.
Comment: This sequence change replaces proline, which is neutral and non-polar, with arginine, which is basic and polar, at codon 131 of the SLC26A3 protein (p.Pro131Arg). This variant is present in population databases (rs386833481, gnomAD 0.004%). This missense change has been observed in individual(s) with congenital secretory chloride diarrhea (PMID: 9554749, 28644346). ClinVar contains an entry for this variant (Variation ID: 55999). Advanced modeling of protein sequence and biophysical properties (such as structural, functional, and spatial information, amino acid conservation, physicochemical variation, residue mobility, and thermodynamic stability) performed at Invitae indicates that this missense variant is expected to disrupt SLC26A3 protein function with a positive predictive value of 80%. Experimental studies have shown that this missense change affects SLC26A3 function (PMID: 31114672). This variant disrupts the p.Pro131 amino acid residue in SLC26A3. Other variant(s) that disrupt this residue have been determined to be pathogenic (PMID: 23274434, 25711268). This suggests that this residue is clinically significant, and that variants that disrupt this residue are likely to be disease-causing. For these reasons, this variant has been classified as Pathogenic.

Juha Muilu Group; Institute for Molecular Medicine Finland (FIMM)
Classification: Likely pathogenic for Congenital secretory diarrhea, chloride type. Review status: no assertion criteria provided. Collection method: not provided. Allele origin: unknown. Not counted in ClinVar's aggregate classification.
Comment: FinDis database variant: This variant was not found or characterized by our laboratory, data were collected from public sources: see reference
ClinVar note: Converted during submission from probable-pathogenic to Likely pathogenic.

Literature cited by the submitters: PubMed 9554749 (cited by Labcorp Genetics (formerly Invitae), Labcorp); PubMed 28644346 (cited by Labcorp Genetics (formerly Invitae), Labcorp); PubMed 31114672 (cited by Labcorp Genetics (formerly Invitae), Labcorp); PubMed 23274434 (cited by Labcorp Genetics (formerly Invitae), Labcorp); PubMed 25711268 (cited by Labcorp Genetics (formerly Invitae), Labcorp).